The following is an entry in ClinVar:

ClinVar aggregate classification (germline): Uncertain significance (1 of 4 stars; one submission).

Conditions:
Left ventricular noncompaction 8 (LVNC8). Identifiers: Orphanet 154, Orphanet 54260, MedGen C3809288, MONDO:0014152, OMIM 615373.

gnomAD v4.1: 2 of 1,610,650 alleles (0.00012%); highest among the groups gnomAD compares: Non-Finnish European, 0.00017%; no homozygotes.

Submission:

Labcorp Genetics (formerly Invitae), Labcorp
Classification: Uncertain significance for Left ventricular noncompaction 8. Last evaluated: 2020-08-06. Review status: criteria provided, single submitter. Criteria: Invitae Variant Classification Sherloc (09022015). Collection method: clinical testing. Allele origin: germline.
Comment: This sequence change replaces threonine with serine at codon 619 of the PRDM16 protein (p.Thr619Ser). The threonine residue is highly conserved and there is a small physicochemical difference between threonine and serine. This variant is not present in population databases (ExAC no frequency). This variant has not been reported in the literature in individuals with PRDM16-related conditions. Algorithms developed to predict the effect of missense changes on protein structure and function are either unavailable or do not agree on the potential impact of this missense change (SIFT: "Deleterious"; PolyPhen-2: "Benign"; Align-GVGD: "Class C55"). In summary, the available evidence is currently insufficient to determine the role of this variant in disease. Therefore, it has been classified as a Variant of Uncertain Significance.

NM_022114.4(PRDM16):c.1855A>T (p.Thr619Ser)

Gene: PRDM16 (PR/SET domain 16; plus strand). Cytogenetic location: 1p36.32.
Variant type: single nucleotide variant.
Coding change: c.1855A>T on transcript NM_022114.4 (MANE Select); coding-DNA position 1855, A replaced by T.
Protein change: p.Thr619Ser; replaces threonine 619 with serine.
Molecular consequence: missense variant.
Genome position (GRCh38, 1-based): chr1:3,412,052, A>T. VCF-style: chr1-3412052-A-T. GRCh37 (hg19) VCF-style: chr1-3328616-A-T.
Other names: c.1855A>T, p.Thr619Ser (NM_199454.3); short protein forms T619S.
Identifiers: ClinVar variation 1037018 (VCV001037018.8), dbSNP rs1643698269, ClinGen allele CA337999167.
Genomic context (GRCh38, chr1:3,412,052, plus strand): 5'-TCGGACGGCAGTGACTTTGAGGACGTCAACACCACCACGGGGACCGACCTGGACACGACC[A>T]CGGGGACGGGCTCGGACCTGGACAGCGACGTGGACAGCGACCCTGACAAGGACAAGGGCA-3'
Protein context (NP_071397.3, residues 609-629): TTTGTDLDTT[Thr619Ser]GTGSDLDSDV